The following is an entry in ClinVar:

NM_003742.4(ABCB11):c.3691C>G (p.Arg1231Gly)

Gene: ABCB11 (ATP binding cassette subfamily B member 11; minus strand). Cytogenetic location: 2q31.1.
Variant type: single nucleotide variant.
Coding change: c.3691C>G on transcript NM_003742.4 (MANE Select); coding-DNA position 3691, C replaced by G.
Protein change: p.Arg1231Gly; replaces arginine 1231 with glycine.
Molecular consequence: missense variant.
Genome position (GRCh38, 1-based): chr2:168,924,731, G>C on the plus strand (C>G on the coding strand, the complement: ABCB11 is on the minus strand). VCF-style: chr2-168924731-G-C. GRCh37 (hg19) VCF-style: chr2-169781241-G-C.
Other names: NM_003742.4(ABCB11):c.3691C>G; p.Arg1231Gly; short protein forms R1231G.
Identifiers: ClinVar variation 2751382 (VCV002751382.4), dbSNP rs766285158, ClinGen allele CA1950959.

ClinVar aggregate classification (germline): Likely pathogenic. Review status: criteria provided, multiple submitters, no conflicts (2 of 4 stars). 2 submissions from 2 submitters: Likely pathogenic (2). Last evaluated 2025-01-23.

Conditions:
Progressive familial intrahepatic cholestasis type 2. Identifiers: Orphanet 79304, MedGen C3489789, MONDO:0011156, OMIM 601847.

Allele frequency attached by ClinVar (database versions not stated): gnomAD 0.00001.
gnomAD v4.1: 2 of 1,613,570 alleles (0.00012%); no homozygotes.

Submissions (2):

Broad Center for Mendelian Genomics, Broad Institute of MIT and Harvard
Classification: Likely pathogenic for Progressive familial intrahepatic cholestasis type 2. Last evaluated: 2025-01-23. Review status: criteria provided, single submitter. Criteria: ACMG Guidelines, 2015. Collection method: curation. Allele origin: germline. Inheritance: Autosomal recessive inheritance.
Comment: The p.Arg1231Gly variant in ABCB11 has not been previously reported in the literature in individuals with BSEP deficiency, but has been identified in 0.003% (2/63974) of European (Finnish) chromosomes by the Genome Aggregation Database (gnomAD; dbSNP ID: rs766285158). Although this variant has been seen in the general population in a heterozygous state, its frequency is low enough to be consistent with a recessive carrier frequency. This variant has also been reported in ClinVar (Variation ID#: 2751382) and has been interpreted as likely pathogenic by Labcorp Genetics (formerly Invitae). Computational prediction tools and conservation analyses suggest that this variant may impact the protein, though this information is not predictive enough to determine pathogenicity. Two additional pathogenic variants, resulting in a different amino acid change at the same position, p.Arg1231Gln and p.Arg1231Trp, have been reported in association with disease in ClinVar, supporting that a change at this position may not be tolerated (Variation ID: 287364, 973516). In summary, while there is some suspicion for a pathogenic role, the clinical significance of this variant is uncertain. ACMG/AMP Criteria applied: PM5_strong, PP3_moderate PM2_supporting (Richards 2015).

Labcorp Genetics (formerly Invitae), Labcorp
Classification: Likely pathogenic. Last evaluated: 2023-08-09. Review status: criteria provided, single submitter. Criteria: Invitae Variant Classification Sherloc (09022015). Collection method: clinical testing. Allele origin: germline.
Comment: In summary, the currently available evidence indicates that the variant is pathogenic, but additional data are needed to prove that conclusively. Therefore, this variant has been classified as Likely Pathogenic. This variant disrupts the p.Arg1231 amino acid residue in ABCB11. Other variant(s) that disrupt this residue have been determined to be pathogenic (PMID: 16871584, 20232290, 25847299). This suggests that this residue is clinically significant, and that variants that disrupt this residue are likely to be disease-causing. Advanced modeling of protein sequence and biophysical properties (such as structural, functional, and spatial information, amino acid conservation, physicochemical variation, residue mobility, and thermodynamic stability) performed at Invitae indicates that this missense variant is expected to disrupt ABCB11 protein function. This variant has not been reported in the literature in individuals affected with ABCB11-related conditions. This variant is present in population databases (rs766285158, gnomAD 0.008%). This sequence change replaces arginine, which is basic and polar, with glycine, which is neutral and non-polar, at codon 1231 of the ABCB11 protein (p.Arg1231Gly).

Literature cited by the submitters: PubMed 16871584 (cited by Labcorp Genetics (formerly Invitae), Labcorp); PubMed 20232290 (cited by Labcorp Genetics (formerly Invitae), Labcorp); PubMed 25847299 (cited by Labcorp Genetics (formerly Invitae), Labcorp).